The following is an entry in ClinVar:

ClinVar aggregate classification (germline): Likely pathogenic. Review status: criteria provided, single submitter (1 of 4 stars). 2 submissions from 2 submitters: Likely pathogenic (1). 1 of the submissions does not count toward it. Last evaluated 2025-08-01.

Conditions:
CFTR-related disorder (CFTR-RD). Also called: CFTR-related disorders; CFTR-related condition. Identifiers: MedGen C5924204, MONDO:7770004.
Cystic fibrosis (CF). Also called: MUCOVISCIDOSIS. Identifiers: Orphanet 586, MedGen C0010674, MONDO:0009061, OMIM 219700. Disease mechanism: loss of function.

Allele frequency attached by ClinVar (database versions not stated): gnomAD exomes below 0.00001.
gnomAD v4.1: 1 of 1,600,208 alleles (0.000062%); highest among the groups gnomAD compares: Non-Finnish European, 0.000086%; no homozygotes.

Submissions (2):

Natera, Inc.
Classification: Likely pathogenic for CFTR-related disorders. Last evaluated: 2025-08-01. Review status: criteria provided, single submitter. Criteria: Natera Variant Classification Schema (03/2026). Collection method: clinical testing. Allele origin: germline.
Comment: The c.3367G>C variant in CFTR is a missense variant predicted to cause substitution of glycine to arginine at amino acid 1123. This variant is rare in the general population with a frequency below the threshold expected for the associated phenotype(s). This variant has been observed in one or more individuals affected with the associated recessive disease, as either homozygous or compound heterozygous with a second variant (PMID: 31147302, 32384684). Functional studies show that this variant may disrupt protein function (PMID: 40182926). Computational prediction algorithms indicate this variant is likely to affect gene or protein function. Given the available evidence, this variant is classified as Likely Pathogenic.

ClinVar Staff, National Center for Biotechnology Information (NCBI)
No classification provided. Condition: CFTR-related disorders. Review status: no classification provided. Collection method: literature only. Allele origin: germline. Affected: yes. Not counted in ClinVar's aggregate classification.

Literature cited by the submitters: PubMed 31147302 (cited by Natera, Inc.); PubMed 32384684 (cited by Natera, Inc.); PubMed 40182926 (cited by Natera, Inc.); PubMed 8956039 (cited by ClinVar Staff, National Center for Biotechnology Information (NCBI)).

NM_000492.4(CFTR):c.3367G>C (p.Gly1123Arg)

Genes: CFTR (CF transmembrane conductance regulator; plus strand), CFTR-AS2 (CFTR antisense RNA 2; minus strand), LOC111674472 (DNase I hypersensitive sites in introns 16 and 17a of CFTR; plus strand). Cytogenetic location: 7q31.2.
Variant type: single nucleotide variant.
Coding change: c.3367G>C on transcript NM_000492.4 (MANE Select); coding-DNA position 3367, G replaced by C.
Protein change: p.Gly1123Arg; replaces glycine 1123 with arginine.
Molecular consequence: missense variant.
Genome position (GRCh38, 1-based): chr7:117,611,808, G>C. VCF-style: chr7-117611808-G-C. GRCh37 (hg19) VCF-style: chr7-117251862-G-C.
Other names: short protein forms G1123R.
Identifiers: ClinVar variation 53726 (VCV000053726.2), dbSNP rs397508546, ClinGen allele CA327157.